The following is an entry in ClinVar:

ClinVar aggregate classification (germline): Uncertain significance (1 of 4 stars; one submission).

Conditions:
RASopathy. Also called: Noonan spectrum disorder; rasopathies. Identifiers: Orphanet 536391, MedGen C5555857, MONDO:0021060.

Submission:

Labcorp Genetics (formerly Invitae), Labcorp
Classification: Uncertain significance for RASopathy. Last evaluated: 2022-09-07. Review status: criteria provided, single submitter. Criteria: Invitae Variant Classification Sherloc (09022015). Collection method: clinical testing. Allele origin: germline.
Comment: In summary, the available evidence is currently insufficient to determine the role of this variant in disease. Therefore, it has been classified as a Variant of Uncertain Significance. This sequence change replaces serine, which is neutral and polar, with threonine, which is neutral and polar, at codon 1032 of the SOS1 protein (p.Ser1032Thr). This variant is not present in population databases (gnomAD no frequency). This variant has not been reported in the literature in individuals affected with SOS1-related conditions. ClinVar contains an entry for this variant (Variation ID: 1348226). Advanced modeling of protein sequence and biophysical properties (such as structural, functional, and spatial information, amino acid conservation, physicochemical variation, residue mobility, and thermodynamic stability) performed at Invitae indicates that this missense variant is not expected to disrupt SOS1 protein function.

NM_005633.4(SOS1):c.3095G>C (p.Ser1032Thr)

Gene: SOS1 (SOS Ras/Rac guanine nucleotide exchange factor 1; minus strand). Cytogenetic location: 2p22.1.
Variant type: single nucleotide variant.
Coding change: c.3095G>C on transcript NM_005633.4 (MANE Select); coding-DNA position 3095, G replaced by C.
Protein change: p.Ser1032Thr; replaces serine 1032 with threonine.
Molecular consequence: missense variant.
Genome position (GRCh38, 1-based): chr2:38,995,374, C>G on the plus strand (G>C on the coding strand, the complement: SOS1 is on the minus strand). VCF-style: chr2-38995374-C-G. GRCh37 (hg19) VCF-style: chr2-39222515-C-G.
Other names: c.3074G>C, p.Ser1025Thr (NM_001382394.1); c.3095G>C, p.Ser1032Thr (NM_001382395.1); short protein forms S1025T, S1032T.
Identifiers: ClinVar variation 1348226 (VCV001348226.8), dbSNP rs2124475811, ClinGen allele CA346361241.
Genomic context (GRCh38, chr2:38,995,374, plus strand): 5'-TGCCTCATGGTACCTGGTCTTGGGTTTGATGGACGAACACCAGGAGATTTTAGGGGATAG[C>G]TATATTTTTTTGGCTGTAGACATATCAAAAGAAACACAATACTTTAAACACTGTAGTAGA-3'
Protein context (NP_005624.2, residues 1022-1042): KPLPRFPKKY[Ser1032Thr]YPLKSPGVRP